The following is an entry in ClinVar:

NM_006231.4(POLE):c.3071del (p.Met1024fs)

Gene: POLE (DNA polymerase epsilon, catalytic subunit; minus strand). Cytogenetic location: 12q24.33.
Variant type: Deletion.
Coding change: c.3071del on transcript NM_006231.4 (MANE Select); coding-DNA position 3071, one base deleted (T; older notation c.3071delT).
Protein change: p.Met1024fs; shifts the reading frame from methionine 1024.
Molecular consequence: frameshift variant.
Genome position (GRCh38, 1-based): chr12:132,659,499, A deleted on the plus strand (T on the coding strand, the reverse complement: POLE is on the minus strand). VCF-style (leftmost placement, unchanged base first): chr12-132659498-CA-C. GRCh37 (hg19) VCF-style: chr12-133236084-CA-C.
Other names: short protein forms M1024fs.
Identifiers: ClinVar variation 655980 (VCV000655980.8), dbSNP rs1593772932, ClinGen allele CA915946838.

ClinVar aggregate classification (germline): Pathogenic (1 of 4 stars; one submission).

Submission:

Labcorp Genetics (formerly Invitae), Labcorp
Classification: Pathogenic. Last evaluated: 2022-05-12. Review status: criteria provided, single submitter. Criteria: Invitae Variant Classification Sherloc (09022015). Collection method: clinical testing. Allele origin: germline.
Comment: For these reasons, this variant has been classified as Pathogenic. Algorithms developed to predict the effect of sequence changes on RNA splicing suggest that this variant may create or strengthen a splice site. ClinVar contains an entry for this variant (Variation ID: 655980). This variant has not been reported in the literature in individuals affected with POLE-related conditions. This variant is not present in population databases (gnomAD no frequency). This sequence change creates a premature translational stop signal (p.Met1024Serfs*51) in the POLE gene. It is expected to result in an absent or disrupted protein product. Loss-of-function variants in POLE are known to be pathogenic (PMID: 23230001, 25948378, 30503519).

Literature cited by the submitters: PubMed 23230001; PubMed 25948378; PubMed 30503519.